The following is an entry in ClinVar:

ClinVar aggregate classification (germline): Uncertain significance (1 of 4 stars; one submission).

Submission:

GeneDx
Classification: Uncertain significance. Last evaluated: 2025-03-24. Review status: criteria provided, single submitter. Criteria: GeneDx Variant Classification Process June 2021. Collection method: clinical testing. Allele origin: germline. Affected: yes.
Comment: Not observed at significant frequency in large population cohorts (gnomAD); In silico analysis supports that this missense variant has a deleterious effect on protein structure/function; Has not been previously published as pathogenic or benign to our knowledge

NM_022168.4(IFIH1):c.956C>T (p.Ala319Val)

Gene: IFIH1 (interferon induced with helicase C domain 1; minus strand). Cytogenetic location: 2q24.2.
Variant type: single nucleotide variant.
Coding change: c.956C>T on transcript NM_022168.4 (MANE Select); coding-DNA position 956, C replaced by T.
Protein change: p.Ala319Val; replaces alanine 319 with valine.
Molecular consequence: missense variant.
Genome position (GRCh38, 1-based): chr2:162,288,274, G>A on the plus strand (C>T on the coding strand, the complement: IFIH1 is on the minus strand). VCF-style: chr2-162288274-G-A. GRCh37 (hg19) VCF-style: chr2-163144784-G-A.
Other names: short protein forms A319V.
Identifiers: ClinVar variation 4088238 (VCV004088238.1).